The following is an entry in ClinVar:

ClinVar aggregate classification (germline): Likely benign (1 of 4 stars; one submission).

Conditions:
Familial cancer of breast. Also called: hereditary breast carcinoma; Hereditary breast cancer; BREAST CANCER, FAMILIAL. Identifiers: Orphanet 227535, MedGen C0346153, MONDO:0016419, OMIM 114480. Disease mechanism: loss of function.

Submission:

Myriad Genetics, Inc.
Classification: Likely benign for Familial cancer of breast. Last evaluated: 2024-07-26. Review status: criteria provided, single submitter. Criteria: Myriad Autosomal Dominant, Autosomal Recessive and X-Linked Classification Criteria (2023). Collection method: clinical testing. Allele origin: unknown.
Comment: This variant is considered likely benign. This variant is intronic and is not expected to impact mRNA splicing.

NM_000465.4(BARD1):c.1677+7A>C

Gene: BARD1 (BRCA1 associated RING domain 1; minus strand). Cytogenetic location: 2q35.
Variant type: single nucleotide variant.
Coding change: c.1677+7A>C on transcript NM_000465.4 (MANE Select); 7 bases into the intron after coding-DNA position 1677, A replaced by C.
Molecular consequence: intron variant.
Genome position (GRCh38, 1-based): chr2:214,752,440, T>G on the plus strand (A>C on the coding strand, the complement: BARD1 is on the minus strand). VCF-style: chr2-214752440-T-G. GRCh37 (hg19) VCF-style: chr2-215617164-T-G.
Other names: c.267+7A>C (NM_001282548.2); c.1620+7A>C (NM_001282543.2); c.324+7A>C (NM_001282545.2); c.365-21932A>C (NM_001282549.2).
Identifiers: ClinVar variation 3378738 (VCV003378738.1).